The following is an entry in ClinVar:

NM_004304.5(ALK):c.3926A>C (p.Lys1309Thr)

Gene: ALK (ALK receptor tyrosine kinase; minus strand). Cytogenetic location: 2p23.2.
Variant type: single nucleotide variant.
Coding change: c.3926A>C on transcript NM_004304.5 (MANE Select); coding-DNA position 3926, A replaced by C.
Protein change: p.Lys1309Thr; replaces lysine 1309 with threonine.
Molecular consequence: missense variant.
Genome position (GRCh38, 1-based): chr2:29,207,183, T>G on the plus strand (A>C on the coding strand, the complement: ALK is on the minus strand). VCF-style: chr2-29207183-T-G. GRCh37 (hg19) VCF-style: chr2-29430049-T-G.
Other names: c.722A>C, p.Lys241Thr (NM_001353765.2); short protein forms K1309T, K241T.
Identifiers: ClinVar variation 1736229 (VCV001736229.2), dbSNP rs2465902527, ClinGen allele CA346468497.

ClinVar aggregate classification (germline): Uncertain significance (1 of 4 stars; one submission).

Conditions:
Hereditary cancer-predisposing syndrome. Also called: Neoplastic Syndromes, Hereditary; Tumor predisposition; Hereditary Cancer Syndrome; Hereditary neoplastic syndrome. Identifiers: Orphanet 140162, MedGen C0027672, MeSH D009386, MONDO:0015356.

Submission:

Ambry Genetics
Classification: Uncertain significance for Hereditary cancer-predisposing syndrome. Last evaluated: 2021-04-08. Review status: criteria provided, single submitter. Criteria: Ambry Variant Classification Scheme 2023. Collection method: clinical testing. Allele origin: germline.
Comment: The p.K1309T variant (also known as c.3926A>C), located in coding exon 26 of the ALK gene, results from an A to C substitution at nucleotide position 3926. The lysine at codon 1309 is replaced by threonine, an amino acid with similar properties. This amino acid position is highly conserved in available vertebrate species. In addition, this alteration is predicted to be deleterious by in silico analysis. Since supporting evidence is limited at this time, the clinical significance of this alteration remains unclear.